The following is an entry in ClinVar:

NM_001845.6(COL4A1):c.5002del (p.Arg1668fs)

Gene: COL4A1 (collagen type IV alpha 1 chain; minus strand). Cytogenetic location: 13q34.
Variant type: Deletion.
Coding change: c.5002del on transcript NM_001845.6 (MANE Select); coding-DNA position 5002, one base deleted (A; older notation c.5002delA).
Protein change: p.Arg1668fs; shifts the reading frame from arginine 1668.
Molecular consequence: frameshift variant.
Genome position (GRCh38, 1-based): chr13:110,150,371, T deleted on the plus strand (A on the coding strand, the reverse complement: COL4A1 is on the minus strand); the first of 2 consecutive T bases (chr13:110,150,371-110,150,372); deleting either gives the same sequence. VCF-style (leftmost placement, unchanged base first): chr13-110150370-CT-C. GRCh37 (hg19) VCF-style: chr13-110802717-CT-C.
Other names: short protein forms R1668fs.
Identifiers: ClinVar variation 5017473 (VCV005017473.1).

ClinVar aggregate classification (germline): Uncertain significance (1 of 4 stars; one submission).

Submission:

GeneDx
Classification: Uncertain significance. Last evaluated: 2026-03-25. Review status: criteria provided, single submitter. Criteria: GeneDx Variant Classification Process June 2021. Collection method: clinical testing. Allele origin: germline.
Comment: Frameshift variant predicted to result in abnormal protein length as the last 2 amino acid(s) are replaced with 5 different amino acid(s); Not observed at significant frequency in large population cohorts (gnomAD); Has not been previously published as pathogenic or benign to our knowledge